The following is an entry in ClinVar:

ClinVar aggregate classification (germline): Uncertain significance. Review status: criteria provided, multiple submitters, no conflicts (2 of 4 stars). 2 submissions from 2 submitters: Uncertain significance (2). Last evaluated 2022-07-15.

Conditions:
Inborn genetic diseases. Identifiers: MedGen C0950123, MeSH D030342.

Allele frequency attached by ClinVar (database versions not stated): gnomAD 0.00002; gnomAD exomes 0.00002; TOPMed 0.00002; ExAC 0.00009.
gnomAD v4.1: 25 of 1,551,492 alleles (0.0016%); highest among the groups gnomAD compares: African/African-American, 0.0055%; no homozygotes.

Submissions (2):

Labcorp Genetics (formerly Invitae), Labcorp
Classification: Uncertain significance. Last evaluated: 2022-07-15. Review status: criteria provided, single submitter. Criteria: Invitae Variant Classification Sherloc (09022015). Collection method: clinical testing. Allele origin: germline.
Comment: This sequence change replaces arginine, which is basic and polar, with histidine, which is basic and polar, at codon 1815 of the UNC80 protein (p.Arg1815His). This variant is present in population databases (rs761112873, gnomAD 0.01%). This variant has not been reported in the literature in individuals affected with UNC80-related conditions. Algorithms developed to predict the effect of missense changes on protein structure and function are either unavailable or do not agree on the potential impact of this missense change (SIFT: "Not Available"; PolyPhen-2: "Probably Damaging"; Align-GVGD: "Not Available"). In summary, the available evidence is currently insufficient to determine the role of this variant in disease. Therefore, it has been classified as a Variant of Uncertain Significance.

Ambry Genetics
Classification: Uncertain significance for Inborn genetic diseases. Last evaluated: 2022-07-12. Review status: criteria provided, single submitter. Criteria: Ambry Variant Classification Scheme 2023. Collection method: clinical testing. Allele origin: germline.

NM_001371986.1(UNC80):c.5642G>A (p.Arg1881His)

Gene: UNC80 (unc-80 homolog, NALCN channel complex subunit; plus strand). Cytogenetic location: 2q34.
Variant type: single nucleotide variant.
Coding change: c.5642G>A on transcript NM_001371986.1 (MANE Select); coding-DNA position 5642, G replaced by A.
Protein change: p.Arg1881His; replaces arginine 1881 with histidine.
Molecular consequence: missense variant.
Genome position (GRCh38, 1-based): chr2:209,922,363, G>A. VCF-style: chr2-209922363-G-A. GRCh37 (hg19) VCF-style: chr2-210787087-G-A.
Other names: c.5444G>A, p.Arg1815His (NM_032504.2); c.5429G>A, p.Arg1810His (NM_182587.4); short protein forms R1815H, R1810H, R1881H.
Identifiers: ClinVar variation 1988162 (VCV001988162.2), dbSNP rs761112873, ClinGen allele CA2083306.